The following is an entry in ClinVar:

ClinVar aggregate classification (germline): Likely pathogenic (0 of 4 stars; one submission).

Conditions:
Glycine encephalopathy. Also called: Nonketotic hyperglycinemia; Non-ketotic hyperglycinemia. Identifiers: Orphanet 407, MedGen C0751748, MONDO:0011612, HP:0008288.

Submission:

Juha Muilu Group; Institute for Molecular Medicine Finland (FIMM)
Classification: Likely pathogenic for Non-ketotic hyperglycinemia. Review status: no assertion criteria provided. Collection method: not provided. Allele origin: unknown.
Comment: FinDis database variant: This variant was not found or characterized by our laboratory, data were collected from public sources: see reference
ClinVar note: Converted during submission from probable-pathogenic to Likely pathogenic.

NM_000170.3(GLDC):c.808G>T (p.Glu270Ter)

Gene: GLDC (glycine decarboxylase; minus strand). Cytogenetic location: 9p24.1.
Variant type: single nucleotide variant.
Coding change: c.808G>T on transcript NM_000170.3 (MANE Select); coding-DNA position 808, G replaced by T.
Protein change: p.Glu270Ter; replaces glutamic acid 270 with a stop codon.
Molecular consequence: nonsense.
Genome position (GRCh38, 1-based): chr9:6,605,184, C>A on the plus strand (G>T on the coding strand, the complement: GLDC is on the minus strand). VCF-style: chr9-6605184-C-A. GRCh37 (hg19) VCF-style: chr9-6605184-C-A.
Other names: short protein forms E270*.
Identifiers: ClinVar variation 56105 (VCV000056105.2), dbSNP rs386833588, ClinGen allele CA263442.